The following is an entry in ClinVar:

ClinVar aggregate classification (germline): Uncertain significance (1 of 4 stars; one submission).

Submission:

Ambry Genetics
Classification: Uncertain significance. Last evaluated: 2022-08-01. Review status: criteria provided, single submitter. Criteria: Ambry Variant Classification Scheme 2023. Collection method: clinical testing. Allele origin: germline.
Comment: The p.V781L variant (also known as c.2341G>C), located in coding exon 22 of the KIF1B gene, results from a G to C substitution at nucleotide position 2341. The valine at codon 781 is replaced by leucine, an amino acid with highly similar properties. This amino acid position is conserved. In addition, this alteration is predicted to be deleterious by in silico analysis. Since supporting evidence is limited at this time, the clinical significance of this alteration remains unclear.

NM_001365951.3(KIF1B):c.2479G>C (p.Val827Leu)

Gene: KIF1B (kinesin family member 1B; plus strand). Cytogenetic location: 1p36.22.
Variant type: single nucleotide variant.
Coding change: c.2479G>C on transcript NM_001365951.3 (MANE Select); coding-DNA position 2479, G replaced by C.
Protein change: p.Val827Leu; replaces valine 827 with leucine.
Molecular consequence: missense variant.
Genome position (GRCh38, 1-based): chr1:10,324,004, G>C. VCF-style: chr1-10324004-G-C. GRCh37 (hg19) VCF-style: chr1-10384062-G-C.
Other names: c.2479G>C, p.Val827Leu (NM_001365952.1); c.2341G>C, p.Val781Leu (NM_015074.3); short protein forms V781L, V827L.
Identifiers: ClinVar variation 1789874 (VCV001789874.2), dbSNP rs2521623061, ClinGen allele CA338334858.